The following is an entry in ClinVar:

ClinVar aggregate classification (germline): Uncertain significance (1 of 4 stars; one submission).

Conditions:
Wilms tumor 1 (WT1). Also called: Wilms tumor, somatic. Identifiers: Orphanet 654, MedGen CN033288, MONDO:0008679, OMIM 194070.

Submission:

Labcorp Genetics (formerly Invitae), Labcorp
Classification: Uncertain significance for Wilms tumor 1. Last evaluated: 2019-02-27. Review status: criteria provided, single submitter. Criteria: Invitae Variant Classification Sherloc (09022015). Collection method: clinical testing. Allele origin: germline.
Comment: In summary, the available evidence is currently insufficient to determine the role of this variant in disease. Therefore, it has been classified as a Variant of Uncertain Significance. Algorithms developed to predict the effect of missense changes on protein structure and function output the following: SIFT: "Tolerated"; PolyPhen-2: "Benign"; Align-GVGD: "Class C0". The lysine amino acid residue is found in multiple mammalian species, suggesting that this missense change does not adversely affect protein function. These predictions have not been confirmed by published functional studies and their clinical significance is uncertain. This variant has not been reported in the literature in individuals with GPC3-related conditions. This variant is not present in population databases (ExAC no frequency). This sequence change replaces arginine with lysine at codon 438 of the GPC3 protein (p.Arg438Lys). The arginine residue is moderately conserved and there is a small physicochemical difference between arginine and lysine.

NM_004484.4(GPC3):c.1313G>A (p.Arg438Lys)

Gene: GPC3 (glypican 3; minus strand). Cytogenetic location: Xq26.2.
Variant type: single nucleotide variant.
Coding change: c.1313G>A on transcript NM_004484.4 (MANE Select); coding-DNA position 1313, G replaced by A.
Protein change: p.Arg438Lys; replaces arginine 438 with lysine.
Molecular consequence: missense variant.
Genome position (GRCh38, 1-based): chrX:133,661,830, C>T on the plus strand (G>A on the coding strand, the complement: GPC3 is on the minus strand). VCF-style: chrX-133661830-C-T. GRCh37 (hg19) VCF-style: chrX-132795858-C-T.
Other names: c.1382G>A, p.Arg461Lys (NM_001164617.2); c.1265G>A, p.Arg422Lys (NM_001164618.2); c.1151G>A, p.Arg384Lys (NM_001164619.2); short protein forms R384K, R461K, R422K, R438K.
Identifiers: ClinVar variation 858265 (VCV000858265.10), dbSNP rs2070729910, ClinGen allele CA414704786.
Genomic context (GRCh38, chrX:133,661,830, plus strand): 5'-ACTGGCTCAGGGCCCTTCATTTTCAGCTCATGGAGATTGAACTGGTTTTTCATTCCATTC[C>T]TTGCTGCCTTTTGGCTGTATCTGTAAAGGTGAAGGTAAAGAAAAGGTTTGTCAAAGAAAG-3'
Protein context (NP_004475.1, residues 428-448): LVERYSQKAA[Arg438Lys]NGMKNQFNLH